The following is an entry in ClinVar:

NM_001114753.3(ENG):c.929T>C (p.Ile310Thr)

Gene: ENG (endoglin; minus strand). Cytogenetic location: 9q34.11.
Variant type: single nucleotide variant.
Coding change: c.929T>C on transcript NM_001114753.3 (MANE Select); coding-DNA position 929, T replaced by C.
Protein change: p.Ile310Thr; replaces isoleucine 310 with threonine.
Molecular consequence: missense variant.
Genome position (GRCh38, 1-based): chr9:127,824,862, A>G on the plus strand (T>C on the coding strand, the complement: ENG is on the minus strand). VCF-style: chr9-127824862-A-G. GRCh37 (hg19) VCF-style: chr9-130587141-A-G.
Other names: c.929T>C, p.Ile310Thr (NM_001406715.1, NM_000118.4); c.383T>C, p.Ile128Thr (NM_001278138.2); short protein forms I128T, I310T.
Identifiers: ClinVar variation 4870489 (VCV004870489.1).

ClinVar aggregate classification (germline): Uncertain significance (1 of 4 stars; one submission).

Conditions:
Cardiovascular phenotype. Identifiers: MedGen CN230736.

Submission:

Ambry Genetics
Classification: Uncertain significance for Cardiovascular phenotype. Last evaluated: 2026-06-13. Review status: criteria provided, single submitter. Criteria: Ambry Variant Classification Scheme 2023. Collection method: clinical testing. Allele origin: germline.
Comment: The p.I310T variant (also known as c.929T>C), located in coding exon 7 of the ENG gene, results from a T to C substitution at nucleotide position 929. The isoleucine at codon 310 is replaced by threonine, an amino acid with similar properties. This amino acid position is conserved. In addition, this alteration is predicted to be tolerated by in silico analysis. Based on the available evidence, the clinical significance of this variant remains unclear.